The following is an entry in ClinVar:

NM_001267550.2(TTN):c.21668G>A (p.Arg7223His)

Gene: TTN (titin; minus strand). Cytogenetic location: 2q31.2.
Variant type: single nucleotide variant.
Coding change: c.21668G>A on transcript NM_001267550.2 (MANE Select); coding-DNA position 21668, G replaced by A.
Protein change: p.Arg7223His; replaces arginine 7223 with histidine.
Molecular consequence: missense variant. On other transcripts: intron variant (3).
Genome position (GRCh38, 1-based): chr2:178,723,432, C>T on the plus strand (G>A on the coding strand, the complement: TTN is on the minus strand). VCF-style: chr2-178723432-C-T. GRCh37 (hg19) VCF-style: chr2-179588159-C-T.
Other names: p.R6906H:CGT>CAT; p.Arg6906His; c.20717G>A, p.Arg6906His (NM_001256850.1); c.17936G>A, p.Arg5979His (NM_133378.4); c.13282+14650G>A (NM_003319.4); c.13858+14650G>A (NM_133437.4); c.13657+14650G>A (NM_133432.3); short protein forms R7223H, R5979H, R6906H.
Identifiers: ClinVar variation 46688 (VCV000046688.78), dbSNP rs138853909, ClinGen allele CA138962.

ClinVar aggregate classification (germline): Conflicting classifications of pathogenicity. Review status: criteria provided, conflicting classifications (1 of 4 stars). 21 submissions from 17 submitters: Uncertain significance (4); Benign (4); Likely benign (8). 5 of the submissions do not count toward it. Last evaluated 2026-06-01.

Conditions:
TTN-related disorder. Also called: TTN-related condition; TTN-related disease; TTN-related disorders.
Dilated cardiomyopathy 1G (CMD1G). Identifiers: Orphanet 154, MedGen C1858763, MONDO:0011400, OMIM 604145.
Autosomal recessive limb-girdle muscular dystrophy type 2J (LGMDR10). Also called: Limb-girdle muscular dystrophy, type 2J; MUSCULAR DYSTROPHY, LIMB-GIRDLE, AUTOSOMAL RECESSIVE 10. Identifiers: Orphanet 140922, MedGen C1837342, MONDO:0012127, OMIM 608807.
Cardiomyopathy (CMYO). Also called: Cardiomyopathies. Identifiers: Orphanet 167848, MedGen C0878544, MONDO:0004994, HP:0001638. Inheritance: Various modes of inheritance.
Early-onset myopathy with fatal cardiomyopathy (CMYO5). Also called: Salih Myopathy; CONGENITAL MYOPATHY 5 WITH CARDIOMYOPATHY. Identifiers: Orphanet 289377, MedGen C2673677, MONDO:0012714, OMIM 611705. Disease mechanism: loss of function.
Myopathy, myofibrillar, 9, with early respiratory failure (MFM9). Also called: Hereditary myopathy with early respiratory failure; Myopathy, distal, with early respiratory failure, autosomal dominant; EDSTROM MYOPATHY; MYOPATHY, PROXIMAL, WITH EARLY RESPIRATORY MUSCLE INVOLVEMENT. Identifiers: Orphanet 178464, Orphanet 34521, MedGen C1863599, MONDO:0011362, OMIM 603689.
Tibial muscular dystrophy (TMD). Also called: Udd Distal Myopathy – Tibial Muscular Dystrophy; Tibial muscular dystrophy, tardive; UDD MYOPATHY. Identifiers: Orphanet 609, MedGen C1838244, MONDO:0010870, OMIM 600334.

Allele frequency attached by ClinVar (database versions not stated): gnomAD exomes 0.00025 and 0.00054; ExAC 0.00052; ESP Exome Variant Server 0.00074; gnomAD 0.00094 and 0.00102; 1000 Genomes Project 0.00100; 1000 Genomes Project 30x 0.00109; TOPMed 0.00125.
gnomAD v4.1: 527 of 1,611,594 alleles (0.033%); highest among the groups gnomAD compares: African/African-American, 0.2%; no homozygotes.

Submissions (21):

CeGaT Center for Human Genetics Tuebingen
Classification: Likely benign. Last evaluated: 2026-06-01. Review status: criteria provided, single submitter. Criteria: CeGaT Center For Human Genetics Tuebingen Variant Classification Criteria Version 2. Collection method: clinical testing. Allele origin: germline. Affected: yes. Observed: 19 variant alleles.
Comment: TTN: BP4

Labcorp Genetics (formerly Invitae), Labcorp
Classification: Likely benign for Dilated cardiomyopathy 1G; Autosomal recessive limb-girdle muscular dystrophy type 2J. Last evaluated: 2026-02-03. Review status: criteria provided, single submitter. Criteria: Invitae Variant Classification Sherloc (09022015). Collection method: clinical testing. Allele origin: germline.

Mayo Clinic Laboratories, Mayo Clinic
Classification: Likely benign. Last evaluated: 2025-05-02. Review status: criteria provided, single submitter. Criteria: ACMG Guidelines, 2015. Collection method: clinical testing. Allele origin: germline. Observed: 5 variant alleles.

Molecular Diagnostic Laboratory for Inherited Cardiovascular Disease, Montreal Heart Institute
Classification: Likely benign. Last evaluated: 2025-04-09. Review status: criteria provided, single submitter. Criteria: ACMG Guidelines, 2015. Collection method: clinical testing. Allele origin: germline. Affected: no.

Blueprint Genetics
Classification: Likely benign. Last evaluated: 2024-11-01. Review status: criteria provided, single submitter. Criteria: ACMG Guidelines, 2015. Collection method: clinical testing. Allele origin: germline.

Women's Health and Genetics/Laboratory Corporation of America, LabCorp
Classification: Benign. Last evaluated: 2020-09-25. Review status: criteria provided, single submitter. Criteria: LabCorp Variant Classification Summary - May 2015. Collection method: clinical testing. Allele origin: germline.
Comment: Variant summary: TTN c.17936G>A (p.Arg5979His) results in a non-conservative amino acid change located in the I-band region of the encoded protein sequence. Four of five in-silico tools predict a benign effect of the variant on protein function. The variant allele was found at a frequency of 0.001 in 143210 control chromosomes, predominantly at a frequency of 0.0023 within the African or African-American subpopulation in the gnomAD database (v3 genomes dataset). The observed variant frequency within African or African-American control individuals in the gnomAD database is approximately 6-fold of the estimated maximal expected allele frequency for a pathogenic variant in TTN causing Dilated Cardiomyopathy phenotype (0.00039), strongly suggesting that the variant is a benign polymorphism found primarily in populations of African or African-American origin. c.17936G>A has been reported in the literature in an individual affected with Dilated Cardiomyopathy (Pugh_2014). This report however does not provide unequivocal conclusions about association of the variant with Dilated Cardiomyopathy. To our knowledge, no experimental evidence demonstrating an impact on protein function has been reported. Eight clinical diagnostic laboratories have submitted clinical-significance assessments for this variant to ClinVar after 2014 without evidence for independent evaluation, and classified the variant as benign (2x), likely benign (4x), or VUS (2x). Based on the evidence outlined above, the variant was classified as benign.

Eurofins Ntd Llc (ga)
Classification: Uncertain significance. Last evaluated: 2018-09-12. Review status: criteria provided, single submitter. Criteria: EGL ClinVar v180209 classification definitions. Collection method: clinical testing. Allele origin: germline. Observed: 12 variant alleles, 12 heterozygotes.

GeneDx
Classification: Likely benign. Last evaluated: 2018-02-01. Review status: criteria provided, single submitter. Criteria: GeneDx Variant Classification (06012015). Collection method: clinical testing. Allele origin: germline. Affected: yes.
Comment: This variant is considered likely benign or benign based on one or more of the following criteria: it is a conservative change, it occurs at a poorly conserved position in the protein, it is predicted to be benign by multiple in silico algorithms, and/or has population frequency not consistent with disease.

Illumina Laboratory Services, Illumina
Classification: Benign for Tibial muscular dystrophy. Last evaluated: 2018-01-12. Review status: criteria provided, single submitter. Criteria: ICSL Variant Classification Criteria 13 December 2019. Collection method: clinical testing. Allele origin: germline.
Comment: This variant was observed in the ICSL laboratory as part of a predisposition screen in an ostensibly healthy population. It had not been previously curated by ICSL or reported in the Human Gene Mutation Database (HGMD: prior to June 1st, 2018), and was therefore a candidate for classification through an automated scoring system. Utilizing variant allele frequency, disease prevalence and penetrance estimates, and inheritance mode, an automated score was calculated to assess if this variant is too frequent to cause the disease. Based on the score and internal cut-off values, a variant classified as benign is not then subjected to further curation. The score for this variant resulted in a classification of benign for this disease.

Illumina Laboratory Services, Illumina
Classification: Uncertain significance for Early-onset myopathy with fatal cardiomyopathy. Last evaluated: 2018-01-12. Review status: criteria provided, single submitter. Criteria: ICSL Variant Classification Criteria 13 December 2019. Collection method: clinical testing. Allele origin: germline.

Illumina Laboratory Services, Illumina
Classification: Uncertain significance for Autosomal recessive limb-girdle muscular dystrophy type 2J. Last evaluated: 2018-01-12. Review status: criteria provided, single submitter. Criteria: ICSL Variant Classification Criteria 13 December 2019. Collection method: clinical testing. Allele origin: germline.

Illumina Laboratory Services, Illumina
Classification: Uncertain significance for Dilated cardiomyopathy 1G. Last evaluated: 2018-01-12. Review status: criteria provided, single submitter. Criteria: ICSL Variant Classification Criteria 13 December 2019. Collection method: clinical testing. Allele origin: germline.

Illumina Laboratory Services, Illumina
Classification: Benign for Myopathy, myofibrillar, 9, with early respiratory failure. Last evaluated: 2018-01-12. Review status: criteria provided, single submitter. Criteria: ICSL Variant Classification Criteria 13 December 2019. Collection method: clinical testing. Allele origin: germline.
Comment: the same text as in the submission from Illumina Laboratory Services, Illumina above.

CHEO Genetics Diagnostic Laboratory, Children's Hospital of Eastern Ontario
Classification: Benign for Cardiomyopathy. Last evaluated: 2018-01-02. Review status: criteria provided, single submitter. Criteria: ACMG Guidelines, 2015. Collection method: clinical testing. Allele origin: germline.

Athena Diagnostics
Classification: Likely benign. Last evaluated: 2017-09-25. Review status: criteria provided, single submitter. Criteria: Athena Diagnostics Criteria. Collection method: clinical testing. Allele origin: germline.

Laboratory for Molecular Medicine, Mass General Brigham Personalized Medicine
Classification: Likely benign. Last evaluated: 2015-04-18. Review status: criteria provided, single submitter. Criteria: LMM Criteria. Collection method: clinical testing. Allele origin: germline. Observed: 3 variant alleles.
Comment: p.Arg5979His in exon 71 of TTN: This variant is not expected to have clinical si gnificance due to a lack of conservation across species, including mammals. Of n ote, 9 mammals and multiple birds and reptiles have a histidine (His) at this po sition despite high nearby amino acid conservation. It has been identified in 0. 16% (16/9726) of African chromosomes by the Exome Aggregation Consortium (ExAC; dbSNP rs138853909).

PreventionGenetics, part of Exact Sciences
Classification: Likely benign for TTN-related condition. Last evaluated: 2021-04-29. Review status: no assertion criteria provided. Collection method: clinical testing. Allele origin: germline. Not counted in ClinVar's aggregate classification.
Comment: This variant is classified as likely benign based on ACMG/AMP sequence variant interpretation guidelines (Richards et al. 2015 PMID: 25741868, with internal and published modifications).

Clinical Genetics DNA and cytogenetics Diagnostics Lab, Erasmus MC, Erasmus Medical Center
Classification: Likely benign. Review status: no assertion criteria provided. Collection method: clinical testing. Allele origin: germline. Affected: yes. Study: VKGL Data-share Consensus. Not counted in ClinVar's aggregate classification.

Clinical Genetics, Academic Medical Center
Classification: Benign. Review status: no assertion criteria provided. Collection method: clinical testing. Allele origin: germline. Affected: yes. Study: VKGL Data-share Consensus. Not counted in ClinVar's aggregate classification.

Diagnostic Laboratory, Department of Genetics, University Medical Center Groningen
Classification: Likely benign. Review status: no assertion criteria provided. Collection method: clinical testing. Allele origin: germline. Affected: yes. Study: VKGL Data-share Consensus. Not counted in ClinVar's aggregate classification.

Joint Genome Diagnostic Labs from Nijmegen and Maastricht, Radboudumc and MUMC+
Classification: Likely benign. Review status: no assertion criteria provided. Collection method: clinical testing. Allele origin: germline. Affected: yes. Study: VKGL Data-share Consensus. Not counted in ClinVar's aggregate classification.

Literature cited by the submitters: PubMed 24503780 (cited by Women's Health and Genetics/Laboratory Corporation of America, LabCorp and Athena Diagnostics); PubMed 27930701 (cited by Women's Health and Genetics/Laboratory Corporation of America, LabCorp and Athena Diagnostics); PubMed 26516846 (cited by Women's Health and Genetics/Laboratory Corporation of America, LabCorp); PubMed 28771489 (cited by Athena Diagnostics).